The following is an entry in ClinVar:

ClinVar aggregate classification (germline): Pathogenic (1 of 4 stars; one submission).

Conditions:
Peroxisome biogenesis disorder. Identifiers: Orphanet 79189, MedGen C1832200, MONDO:0019234. Disease mechanism: loss of function.

Allele frequency attached by ClinVar (database versions not stated): ExAC 0.00001.

Submission:

Labcorp Genetics (formerly Invitae), Labcorp
Classification: Pathogenic for Peroxisome biogenesis disorder. Last evaluated: 2023-08-11. Review status: criteria provided, single submitter. Criteria: Invitae Variant Classification Sherloc (09022015). Collection method: clinical testing. Allele origin: germline.
Comment: This variant has not been reported in the literature in individuals affected with PEX6-related conditions. This sequence change creates a premature translational stop signal (p.Cys358Valfs*8) in the PEX6 gene. It is expected to result in an absent or disrupted protein product. Loss-of-function variants in PEX6 are known to be pathogenic (PMID: 10408779, 21031596, 31831025). This variant is present in population databases (rs762257184, gnomAD 0.0009%). Algorithms developed to predict the effect of sequence changes on RNA splicing suggest that this variant may disrupt the consensus splice site. For these reasons, this variant has been classified as Pathogenic.

Literature cited by the submitters: PubMed 10408779; PubMed 21031596; PubMed 31831025.

NM_000287.4(PEX6):c.1072del (p.Cys358fs)

Gene: PEX6 (peroxisomal biogenesis factor 6; minus strand). Cytogenetic location: 6p21.1.
Variant type: Deletion.
Coding change: c.1072del on transcript NM_000287.4 (MANE Select); coding-DNA position 1072, one base deleted (T; older notation c.1072delT).
Protein change: p.Cys358fs; shifts the reading frame from cysteine 358.
Molecular consequence: frameshift variant. On other transcripts: non-coding transcript variant (1).
Genome position (GRCh38, 1-based): chr6:42,974,061, A deleted on the plus strand (T on the coding strand, the reverse complement: PEX6 is on the minus strand). VCF-style (leftmost placement, unchanged base first): chr6-42974060-CA-C. GRCh37 (hg19) VCF-style: chr6-42941798-CA-C.
Other names: c.808del, p.Cys270fs (NM_001316313.2); short protein forms C358fs, C270fs.
Identifiers: ClinVar variation 2752244 (VCV002752244.3), dbSNP rs762257184, ClinGen allele CA3811460.